The following is an entry in ClinVar:

NM_001041.4(SI):c.1723C>G (p.Gln575Glu)

Gene: SI (sucrase-isomaltase; minus strand). Cytogenetic location: 3q26.1.
Variant type: single nucleotide variant.
Coding change: c.1723C>G on transcript NM_001041.4 (MANE Select); coding-DNA position 1723, C replaced by G.
Protein change: p.Gln575Glu; replaces glutamine 575 with glutamic acid.
Molecular consequence: missense variant.
Genome position (GRCh38, 1-based): chr3:165,047,005, G>C on the plus strand (C>G on the coding strand, the complement: SI is on the minus strand). VCF-style: chr3-165047005-G-C. GRCh37 (hg19) VCF-style: chr3-164764793-G-C.
Other names: short protein forms Q575E.
Identifiers: ClinVar variation 1439662 (VCV001439662.6), dbSNP rs922858667, ClinGen allele CA86544429.
Genomic context (GRCh38, chr3:165,047,005, plus strand): 5'-CAGATCCAGCAAATGTTGAGCGGGTAAGAATGAAGCTTCTCTTATTAGGAAAAACTTTTT[G>C]TACAGCTCTAAAAATAAAACCAAATTAACAAATACAATTTATTTTAAAAAATAAAGTTGG-3'
Protein context (NP_001032.2, residues 565-585): SMAIATEQAV[Gln575Glu]KVFPNKRSFI

ClinVar aggregate classification (germline): Uncertain significance (1 of 4 stars; one submission).

gnomAD v4.1: 10 of 1,600,666 alleles (0.00062%); highest among the groups gnomAD compares: Non-Finnish European, 0.00077%; no homozygotes.

Submission:

Labcorp Genetics (formerly Invitae), Labcorp
Classification: Uncertain significance. Last evaluated: 2025-06-12. Review status: criteria provided, single submitter. Criteria: Invitae Variant Classification Sherloc (09022015). Collection method: clinical testing. Allele origin: germline.
Comment: This sequence change replaces glutamine, which is neutral and polar, with glutamic acid, which is acidic and polar, at codon 575 of the SI protein (p.Gln575Glu). This variant is not present in population databases (gnomAD no frequency). This variant has not been reported in the literature in individuals affected with SI-related conditions. ClinVar contains an entry for this variant (Variation ID: 1439662). Invitae Evidence Modeling of protein sequence and biophysical properties (such as structural, functional, and spatial information, amino acid conservation, physicochemical variation, residue mobility, and thermodynamic stability) indicates that this missense variant is not expected to disrupt SI protein function with a negative predictive value of 95%. In summary, the available evidence is currently insufficient to determine the role of this variant in disease. Therefore, it has been classified as a Variant of Uncertain Significance.